The following is an entry in ClinVar:

ClinVar aggregate classification (germline): Benign/Likely benign. Review status: criteria provided, multiple submitters, no conflicts (2 of 4 stars). 5 submissions from 5 submitters: Benign (1); Likely benign (4). Last evaluated 2026-07-14.

Conditions:
Hereditary cancer-predisposing syndrome. Also called: Hereditary Cancer Syndrome; Hereditary neoplastic syndrome; Neoplastic Syndromes, Hereditary; Tumor predisposition. Identifiers: Orphanet 140162, MedGen C0027672, MeSH D009386, MONDO:0015356.
Rhabdoid tumor predisposition syndrome 2 (RTPS2). Identifiers: Orphanet 231108, Orphanet 69077, MedGen C2750074, MONDO:0013224, OMIM 613325.

Allele frequency attached by ClinVar (database versions not stated): gnomAD exomes below 0.00001; TOPMed 0.00001; 1000 Genomes Project 0.00020; gnomAD 0.00003 and 0.00002; 1000 Genomes Project 30x 0.00016.
gnomAD v4.1: 8 of 1,614,162 alleles (0.0005%); highest among the groups gnomAD compares: Admixed American, 0.013%; no homozygotes.

Submissions (5):

Myriad Genetics, Inc.
Classification: Benign for Rhabdoid tumor predisposition syndrome 2. Last evaluated: 2026-07-14. Review status: criteria provided, single submitter. Criteria: Myriad Autosomal Dominant, Autosomal Recessive and X-Linked Classification Criteria (2023). Collection method: clinical testing. Allele origin: unknown.
Comment: This variant is considered benign. This variant is a silent/synonymous amino acid change and it is not expected to impact splicing.

Labcorp Genetics (formerly Invitae), Labcorp
Classification: Likely benign for Rhabdoid tumor predisposition syndrome 2. Last evaluated: 2025-11-09. Review status: criteria provided, single submitter. Criteria: Invitae Variant Classification Sherloc (09022015). Collection method: clinical testing. Allele origin: germline.

Sema4
Classification: Likely benign for Hereditary cancer-predisposing syndrome. Last evaluated: 2022-02-16. Review status: criteria provided, single submitter. Criteria: Sema4 Curation Guidelines. Collection method: curation. Allele origin: germline.

Ambry Genetics
Classification: Likely benign for Hereditary cancer-predisposing syndrome. Last evaluated: 2016-09-19. Review status: criteria provided, single submitter. Criteria: Ambry Variant Classification Scheme 2023. Collection method: clinical testing. Allele origin: germline.

Breakthrough Genomics
Classification: Likely benign. Review status: criteria provided, single submitter. Criteria: ACMG Guidelines, 2015. Collection method: not provided. Allele origin: germline. Inheritance: Autosomal dominant inheritance. Affected: yes.

NM_003072.5(SMARCA4):c.3276C>G (p.Leu1092=)

Gene: SMARCA4 (SWI/SNF related BAF chromatin remodeling complex subunit ATPase 4; plus strand). Cytogenetic location: 19p13.2.
Variant type: single nucleotide variant.
Coding change: c.3276C>G on transcript NM_003072.5 (MANE Select); coding-DNA position 3276, C replaced by G.
Protein change: p.Leu1092=; no amino-acid change (leucine 1092 retained).
Molecular consequence: synonymous variant. On other transcripts: non-coding transcript variant (1).
Genome position (GRCh38, 1-based): chr19:11,027,844, C>G. VCF-style: chr19-11027844-C-G. GRCh37 (hg19) VCF-style: chr19-11138520-C-G.
Other names: c.3276C>G, p.Leu1092= (NM_001128844.3, NM_001128845.2, NM_001128846.2 and 5 more transcripts).
Identifiers: ClinVar variation 470343 (VCV000470343.19), dbSNP rs536795031, ClinGen allele CA305278992.